The following is an entry in ClinVar:

NM_000304.4(PMP22):c.79-1G>A

Gene: PMP22 (peripheral myelin protein 22; minus strand). Cytogenetic location: 17p12.
Variant type: single nucleotide variant.
Coding change: c.79-1G>A on transcript NM_000304.4 (MANE Select); the canonical splice acceptor site of the intron before coding-DNA position 79, G replaced by A.
Molecular consequence: splice acceptor variant.
Genome position (GRCh38, 1-based): chr17:15,259,194, C>T on the plus strand (G>A on the coding strand, the complement: PMP22 is on the minus strand). VCF-style: chr17-15259194-C-T. GRCh37 (hg19) VCF-style: chr17-15162511-C-T.
Other names: c.79-1G>A (NM_001281456.2, NM_153321.3, NM_001281455.2 and 2 more transcripts).
Identifiers: ClinVar variation 3654227 (VCV003654227.2).

ClinVar aggregate classification (germline): Likely pathogenic (1 of 4 stars; one submission).

Conditions:
Charcot-Marie-Tooth disease, type I (CMT1). Also called: Charcot-Marie-Tooth disease type 1; Charcot-Marie-Tooth, Type 1. Identifiers: Orphanet 65753, MedGen C0751036, MONDO:0019011.

Submission:

Labcorp Genetics (formerly Invitae), Labcorp
Classification: Likely pathogenic for Charcot-Marie-Tooth disease, type I. Last evaluated: 2024-05-22. Review status: criteria provided, single submitter. Criteria: Invitae Variant Classification Sherloc (09022015). Collection method: clinical testing. Allele origin: germline.
Comment: This sequence change affects an acceptor splice site in intron 2 of the PMP22 gene. It is expected to disrupt RNA splicing. Variants that disrupt the donor or acceptor splice site typically lead to a loss of protein function (PMID: 16199547), and loss-of-function variants in PMP22 are known to be pathogenic (PMID: 23224996). This variant is not present in population databases (gnomAD no frequency). This variant has not been reported in the literature in individuals affected with PMP22-related conditions. Algorithms developed to predict the effect of sequence changes on RNA splicing suggest that this variant may disrupt the consensus splice site. In summary, the currently available evidence indicates that the variant is pathogenic, but additional data are needed to prove that conclusively. Therefore, this variant has been classified as Likely Pathogenic.

Literature cited by the submitters: PubMed 16199547; PubMed 23224996.